The following is an entry in ClinVar:

ClinVar aggregate classification (germline): Uncertain significance. Review status: criteria provided, multiple submitters, no conflicts (2 of 4 stars). 2 submissions from 2 submitters: Uncertain significance (2). Last evaluated 2025-08-30.

Submissions (2):

Ambry Genetics
Classification: Uncertain significance. Last evaluated: 2025-08-30. Review status: criteria provided, single submitter. Criteria: Ambry Variant Classification Scheme 2023. Collection method: clinical testing. Allele origin: germline.

Labcorp Genetics (formerly Invitae), Labcorp
Classification: Uncertain significance. Last evaluated: 2024-07-01. Review status: criteria provided, single submitter. Criteria: Invitae Variant Classification Sherloc (09022015). Collection method: clinical testing. Allele origin: germline.
Comment: This sequence change replaces alanine, which is neutral and non-polar, with threonine, which is neutral and polar, at codon 3 of the KL protein (p.Ala3Thr). The frequency data for this variant in the population databases is considered unreliable, as metrics indicate insufficient coverage at this position in the gnomAD database. This variant has not been reported in the literature in individuals affected with KL-related conditions. ClinVar contains an entry for this variant (Variation ID: 2568463). An algorithm developed to predict the effect of missense changes on protein structure and function (PolyPhen-2) suggests that this variant is likely to be tolerated. In summary, the available evidence is currently insufficient to determine the role of this variant in disease. Therefore, it has been classified as a Variant of Uncertain Significance.

NM_004795.4(KL):c.7G>A (p.Ala3Thr)

Gene: KL (klotho; plus strand). Cytogenetic location: 13q13.1.
Variant type: single nucleotide variant.
Coding change: c.7G>A on transcript NM_004795.4 (MANE Select); coding-DNA position 7, G replaced by A.
Protein change: p.Ala3Thr; replaces alanine 3 with threonine.
Molecular consequence: missense variant.
Genome position (GRCh38, 1-based): chr13:33,016,447, G>A. VCF-style: chr13-33016447-G-A. GRCh37 (hg19) VCF-style: chr13-33590585-G-A.
Other names: short protein forms A3T.
Identifiers: ClinVar variation 2568463 (VCV002568463.5), dbSNP rs1173135737, ClinGen allele CA387779736.